The following is an entry in ClinVar:

NM_000368.5(TSC1):c.1157del (p.Thr386fs)

Gene: TSC1 (TSC complex subunit 1; minus strand). Cytogenetic location: 9q34.13.
Variant type: Deletion.
Coding change: c.1157del on transcript NM_000368.5 (MANE Select); coding-DNA position 1157, one base deleted (C; older notation c.1157delC).
Protein change: p.Thr386fs; shifts the reading frame from threonine 386.
Molecular consequence: frameshift variant.
Genome position (GRCh38, 1-based): chr9:132,910,677, G deleted on the plus strand (C on the coding strand, the reverse complement: TSC1 is on the minus strand). VCF-style (leftmost placement, unchanged base first): chr9-132910676-AG-A. GRCh37 (hg19) VCF-style: chr9-135786063-AG-A.
Other names: c.1157delC (NM_000368.4); c.1154del, p.Thr385fs (NM_001162426.2); c.1004del, p.Thr335fs (NM_001162427.2); c.794del, p.Thr265fs (NM_001362177.2); short protein forms T335fs, T265fs, T385fs, T386fs.
Identifiers: ClinVar variation 451040 (VCV000451040.2), dbSNP rs1554817164, ClinGen allele CA658657922.

ClinVar aggregate classification (germline): Pathogenic (1 of 4 stars; one submission).

Submission:

GeneDx
Classification: Pathogenic. Last evaluated: 2017-07-26. Review status: criteria provided, single submitter. Criteria: GeneDx Variant Classification (06012015). Collection method: clinical testing. Allele origin: germline. Affected: yes.
Comment: The c.1157delC pathogenic variant in the TSC1 gene causes a frameshift starting with codon Threonine 386, changesthis amino acid to a Isoleucine residue and creates a premature Stop codon at position 54 of the new reading frame,denoted p.Thr386IlefsX54. This pathogenic variant is predicted to cause loss of normal protein function eitherthrough protein truncation or nonsense-mediated mRNA decay. The c.1157delC variant is not observed in largepopulation cohorts (Lek et al., 2016; 1000 Genomes Consortium et al., 2015; Exome Variant Server). Although thispathogenic variant has not been previously reported to our knowledge, its presence is consistent with the diagnosis ofTSC.